The following is an entry in ClinVar:

NM_000179.3(MSH6):c.2590G>A (p.Gly864Arg)

Gene: MSH6 (mutS homolog 6; plus strand). Cytogenetic location: 2p16.3.
Variant type: single nucleotide variant.
Coding change: c.2590G>A on transcript NM_000179.3 (MANE Select); coding-DNA position 2590, G replaced by A.
Protein change: p.Gly864Arg; replaces glycine 864 with arginine.
Molecular consequence: missense variant.
Genome position (GRCh38, 1-based): chr2:47,800,573, G>A. VCF-style: chr2-47800573-G-A. GRCh37 (hg19) VCF-style: chr2-48027712-G-A.
Other names: c.2200G>A, p.Gly734Arg (NM_001281492.2); c.1684G>A, p.Gly562Arg (NM_001281493.2, NM_001281494.2); short protein forms G562R, G734R, G864R.
Identifiers: ClinVar variation 859835 (VCV000859835.34), dbSNP rs1669485106, ClinGen allele CA346754859.

ClinVar aggregate classification (germline): Uncertain significance. Review status: criteria provided, multiple submitters, no conflicts (2 of 4 stars). 3 submissions from 3 submitters: Uncertain significance (3). Last evaluated 2025-02-17.

Conditions:
Hereditary nonpolyposis colorectal neoplasms. Identifiers: MedGen C0009405, MeSH D003123.
Hereditary cancer-predisposing syndrome. Also called: Hereditary Cancer Syndrome; Neoplastic Syndromes, Hereditary; Tumor predisposition; Hereditary neoplastic syndrome. Identifiers: Orphanet 140162, MedGen C0027672, MeSH D009386, MONDO:0015356.

Submissions (3):

Labcorp Genetics (formerly Invitae), Labcorp
Classification: Uncertain significance for Hereditary nonpolyposis colorectal neoplasms. Last evaluated: 2025-02-17. Review status: criteria provided, single submitter. Criteria: Invitae Variant Classification Sherloc (09022015). Collection method: clinical testing. Allele origin: germline.
Comment: This sequence change replaces glycine, which is neutral and non-polar, with arginine, which is basic and polar, at codon 864 of the MSH6 protein (p.Gly864Arg). This variant is not present in population databases (gnomAD no frequency). This variant has not been reported in the literature in individuals affected with MSH6-related conditions. ClinVar contains an entry for this variant (Variation ID: 859835). Invitae Evidence Modeling of protein sequence and biophysical properties (such as structural, functional, and spatial information, amino acid conservation, physicochemical variation, residue mobility, and thermodynamic stability) has been performed for this missense variant. However, the output from this modeling did not meet the statistical confidence thresholds required to predict the impact of this variant on MSH6 protein function. In summary, the available evidence is currently insufficient to determine the role of this variant in disease. Therefore, it has been classified as a Variant of Uncertain Significance.

CeGaT Center for Human Genetics Tuebingen
Classification: Uncertain significance. Last evaluated: 2024-01-01. Review status: criteria provided, single submitter. Criteria: CeGaT Center For Human Genetics Tuebingen Variant Classification Criteria Version 2. Collection method: clinical testing. Allele origin: germline. Affected: yes. Observed: 1 variant allele.
Comment: MSH6: PM2, BP1

Ambry Genetics
Classification: Uncertain significance for Hereditary cancer-predisposing syndrome. Last evaluated: 2021-09-27. Review status: criteria provided, single submitter. Criteria: Ambry Variant Classification Scheme 2023. Collection method: clinical testing. Allele origin: germline.
Comment: The p.G864R variant (also known as c.2590G>A), located in coding exon 4 of the MSH6 gene, results from a G to A substitution at nucleotide position 2590. The glycine at codon 864 is replaced by arginine, an amino acid with dissimilar properties. This amino acid position is highly conserved in available vertebrate species. In addition, this alteration is predicted to be deleterious by in silico analysis. Since supporting evidence is limited at this time, the clinical significance of this alteration remains unclear.